The following is an entry in ClinVar:

NM_004369.4(COL6A3):c.674G>A (p.Arg225Lys)

Gene: COL6A3 (collagen type VI alpha 3 chain; minus strand). Cytogenetic location: 2q37.3.
Variant type: single nucleotide variant.
Coding change: c.674G>A on transcript NM_004369.4 (MANE Select); coding-DNA position 674, G replaced by A.
Protein change: p.Arg225Lys; replaces arginine 225 with lysine.
Molecular consequence: missense variant. On other transcripts: intron variant (4).
Genome position (GRCh38, 1-based): chr2:237,394,622, C>T on the plus strand (G>A on the coding strand, the complement: COL6A3 is on the minus strand). VCF-style: chr2-237394622-C-T. GRCh37 (hg19) VCF-style: chr2-238303265-C-T.
Other names: c.91+2105G>A (NM_057166.5, NM_057167.4, NM_057164.5 and 1 more transcripts); short protein forms R225K.
Identifiers: ClinVar variation 4797744 (VCV004797744.1).

ClinVar aggregate classification (germline): Uncertain significance (1 of 4 stars; one submission).

Conditions:
Bethlem myopathy 1A. Also called: MYOPATHY, BENIGN CONGENITAL, WITH CONTRACTURES; Bethlem myopathy 1; Bethlem Muscular Dystrophy. Identifiers: Orphanet 610, MedGen CN029274, MONDO:0024530, OMIM 158810.

Submission:

Labcorp Genetics (formerly Invitae), Labcorp
Classification: Uncertain significance for Bethlem myopathy 1A. Last evaluated: 2025-09-09. Review status: criteria provided, single submitter. Criteria: Invitae Variant Classification Sherloc (09022015). Collection method: clinical testing. Allele origin: germline.
Comment: This sequence change replaces arginine, which is basic and polar, with lysine, which is basic and polar, at codon 225 of the COL6A3 protein (p.Arg225Lys). This variant is not present in population databases (gnomAD no frequency). This variant has not been reported in the literature in individuals affected with COL6A3-related conditions. Invitae Evidence Modeling of protein sequence and biophysical properties (such as structural, functional, and spatial information, amino acid conservation, physicochemical variation, residue mobility, and thermodynamic stability) indicates that this missense variant is not expected to disrupt COL6A3 protein function with a negative predictive value of 95%. In summary, the available evidence is currently insufficient to determine the role of this variant in disease. Therefore, it has been classified as a Variant of Uncertain Significance.